The following is an entry in ClinVar:

NM_003664.5(AP3B1):c.1241A>C (p.Lys414Thr)

Gene: AP3B1 (adaptor related protein complex 3 subunit beta 1; minus strand). Cytogenetic location: 5q14.1.
Variant type: single nucleotide variant.
Coding change: c.1241A>C on transcript NM_003664.5 (MANE Select); coding-DNA position 1241, A replaced by C.
Protein change: p.Lys414Thr; replaces lysine 414 with threonine.
Molecular consequence: missense variant.
Genome position (GRCh38, 1-based): chr5:78,162,941, T>G on the plus strand (A>C on the coding strand, the complement: AP3B1 is on the minus strand). VCF-style: chr5-78162941-T-G. GRCh37 (hg19) VCF-style: chr5-77458765-T-G.
Other names: c.1094A>C, p.Lys365Thr (NM_001271769.2); short protein forms K414T, K365T.
Identifiers: ClinVar variation 951590 (VCV000951590.1), dbSNP rs778910104, ClinGen allele CA3317112.

ClinVar aggregate classification (germline): Uncertain significance (1 of 4 stars; one submission).

Conditions:
Hermansky-Pudlak syndrome 2 (HPS2). Also called: Platelet defects and oculocutaneous albinism. Identifiers: Orphanet 183678, Orphanet 79430, MedGen C1842362, MONDO:0011997, OMIM 608233.

gnomAD v4.1: 2 of 1,613,794 alleles (0.00012%); highest among the groups gnomAD compares: Middle Eastern, 0.016%; no homozygotes.

Submission:

Labcorp Genetics (formerly Invitae), Labcorp
Classification: Uncertain significance for Hermansky-Pudlak syndrome 2. Last evaluated: 2019-07-26. Review status: criteria provided, single submitter. Criteria: Invitae Variant Classification Sherloc (09022015). Collection method: clinical testing. Allele origin: germline.
Comment: This sequence change replaces lysine with threonine at codon 414 of the AP3B1 protein (p.Lys414Thr). The lysine residue is moderately conserved and there is a moderate physicochemical difference between lysine and threonine. This variant is present in population databases (rs778910104, ExAC 0.001%). This variant has not been reported in the literature in individuals with AP3B1-related conditions. Algorithms developed to predict the effect of missense changes on protein structure and function (SIFT, PolyPhen-2, Align-GVGD) all suggest that this variant is likely to be tolerated, but these predictions have not been confirmed by published functional studies and their clinical significance is uncertain. In summary, the available evidence is currently insufficient to determine the role of this variant in disease. Therefore, it has been classified as a Variant of Uncertain Significance.